The following is an entry in ClinVar:

ClinVar aggregate classification (germline): Uncertain significance (0 of 4 stars; one submission).

Submission:

Department of Pathology and Laboratory Medicine, Sinai Health System
Classification: Uncertain significance. Review status: no assertion criteria provided. Collection method: clinical testing. Allele origin: unknown. Affected: yes. Study: The Canadian Open Genetics Repository (COGR).
Comment: The PMVK p.Val8Ala variant was not identified in the literature nor was it identified in dbSNP, ClinVar or in the following control databases: the 1000 Genomes Project, the NHLBI GO Exome Sequencing Project, the Exome Aggregation Consortium (August 8th 2016), or the Genome Aggregation Database (March 6, 2019, v2.1.1). The p.Val8 residue is not conserved in mammals and four out of five computational analyses (PolyPhen-2, SIFT, AlignGVGD, BLOSUM, MutationTaster) do not suggest a high likelihood of impact to the protein; however, this information is not predictive enough to rule out pathogenicity. The variant occurs outside of the splicing consensus sequence and in silico or computational prediction software programs (SpliceSiteFinder, MaxEntScan, NNSPLICE, GeneSplicer) do not predict a difference in splicing. In summary, based on the above information the clinical significance of this variant cannot be determined with certainty at this time. This variant is classified as a variant of uncertain significance.

NM_006556.4(PMVK):c.95+166T>C

Gene: PMVK (phosphomevalonate kinase; minus strand). Cytogenetic location: 1q21.3.
Variant type: single nucleotide variant.
Coding change: c.95+166T>C on transcript NM_006556.4 (MANE Select); 166 bases into the intron after coding-DNA position 95, T replaced by C.
Molecular consequence: intron variant. On other transcripts: missense variant (1).
Genome position (GRCh38, 1-based): chr1:154,936,425, A>G on the plus strand (T>C on the coding strand, the complement: PMVK is on the minus strand). VCF-style: chr1-154936425-A-G. GRCh37 (hg19) VCF-style: chr1-154908901-A-G.
Other names: c.23T>C, p.Val8Ala (NM_001323011.3); c.-130-4010T>C (NM_001323012.3); c.-12+166T>C (NM_001348696.2); short protein forms V8A.
Identifiers: ClinVar variation 1049433 (VCV001049433.1), dbSNP rs2101975113, ClinGen allele CA2499214200.
Genomic context (GRCh38, chr1:154,936,425, plus strand): 5'-GCAGCTGAAGGTCTTTGGAGAGGTGGTCACCTGCTTCTTTGAGGCTCGCCTGTGTAGACT[A>G]CTGTTTTATGTAATGGTGGCATTCCACCTTCCCCAGCCCAGTGCTCCTCCTGCCTTGCAA-3'